The following is an entry in ClinVar:

NM_001384317.1(ZHX3):c.2506C>G (p.Pro836Ala)

Gene: ZHX3 (zinc fingers and homeoboxes 3; minus strand). Cytogenetic location: 20q12.
Variant type: single nucleotide variant.
Coding change: c.2506C>G on transcript NM_001384317.1 (MANE Select); coding-DNA position 2506, C replaced by G.
Protein change: p.Pro836Ala; replaces proline 836 with alanine.
Molecular consequence: missense variant.
Genome position (GRCh38, 1-based): chr20:41,202,411, G>C on the plus strand (C>G on the coding strand, the complement: ZHX3 is on the minus strand). VCF-style: chr20-41202411-G-C. GRCh37 (hg19) VCF-style: chr20-39831051-G-C.
Other names: c.2506C>G, p.Pro836Ala (NM_001384315.1, NM_001384316.1, NM_001384318.1 and 8 more transcripts); short protein forms P836A.
Identifiers: ClinVar variation 2804030 (VCV002804030.3), dbSNP rs2038305158, ClinGen allele CA409034094.

ClinVar aggregate classification (germline): Uncertain significance (1 of 4 stars; one submission).

Allele frequency attached by ClinVar (database versions not stated): gnomAD exomes below 0.00001; TOPMed below 0.00001.
gnomAD v4.1: 3 of 1,614,142 alleles (0.00019%); highest among the groups gnomAD compares: South Asian, 0.0011%; no homozygotes.

Submission:

Labcorp Genetics (formerly Invitae), Labcorp
Classification: Uncertain significance. Last evaluated: 2023-01-04. Review status: criteria provided, single submitter. Criteria: Invitae Variant Classification Sherloc (09022015). Collection method: clinical testing. Allele origin: germline.
Comment: This sequence change replaces proline, which is neutral and non-polar, with alanine, which is neutral and non-polar, at codon 836 of the ZHX3 protein (p.Pro836Ala). This variant is not present in population databases (gnomAD no frequency). This variant has not been reported in the literature in individuals affected with ZHX3-related conditions. Algorithms developed to predict the effect of missense changes on protein structure and function are either unavailable or do not agree on the potential impact of this missense change (SIFT: "Deleterious"; PolyPhen-2: "Possibly Damaging"; Align-GVGD: "Class C0"). In summary, the available evidence is currently insufficient to determine the role of this variant in disease. Therefore, it has been classified as a Variant of Uncertain Significance.